The following is an entry in ClinVar:

NM_012233.3(RAB3GAP1):c.2373_2377del (p.Val792fs)

Gene: RAB3GAP1 (RAB3 GTPase activating protein catalytic subunit 1; plus strand). Cytogenetic location: 2q21.3.
Variant type: Deletion.
Coding change: c.2373_2377del on transcript NM_012233.3 (MANE Select); coding-DNA positions 2373 to 2377, 5 bases deleted (GGTAA; older notation c.2373_2377delGGTAA).
Protein change: p.Val792fs; shifts the reading frame from valine 792.
Molecular consequence: frameshift variant.
Genome position (GRCh38, 1-based): chr2:135,162,638-135,162,642, GGTAA deleted; deleting any 5 consecutive bases within chr2:135,162,636-135,162,642 gives the same sequence; the c. name uses the placement nearest the transcript's 3' end. VCF-style (leftmost placement, unchanged base first): chr2-135162635-CAAGGT-C. GRCh37 (hg19) VCF-style: chr2-135920205-CAAGGT-C.
Other names: c.2373_2377del, p.Val792fs (NM_001172435.2); short protein forms V792fs.
Identifiers: ClinVar variation 5006074 (VCV005006074.2).

ClinVar aggregate classification (germline): Likely pathogenic (1 of 4 stars; one submission).

Conditions:
Warburg micro syndrome 1 (WARBM1). Identifiers: Orphanet 2510, MedGen C1838625, MONDO:0010822, OMIM 600118.
Martsolf syndrome 2. Identifiers: MedGen C5543626, MONDO:0030376, OMIM 619420.

Submission:

Juno Genomics, Hangzhou Juno Genomics, Inc
Classification: Likely pathogenic for Warburg micro syndrome 1; Martsolf syndrome 2. Review status: criteria provided, single submitter. Criteria: ACMG Guidelines, 2015. Collection method: clinical testing. Allele origin: germline.
Comment: Null variant in a gene where loss of function (LOF) is a known mechanism of disease.;Absent from controls (or at extremely low frequency if recessive) in Genome Aggregation Database.